The following is an entry in ClinVar:

ClinVar aggregate classification (germline): Uncertain significance (1 of 4 stars; one submission).

Submission:

Labcorp Genetics (formerly Invitae), Labcorp
Classification: Uncertain significance. Last evaluated: 2024-02-16. Review status: criteria provided, single submitter. Criteria: Invitae Variant Classification Sherloc (09022015). Collection method: clinical testing. Allele origin: germline.
Comment: This variant, c.2203_2211del, results in the deletion of 3 amino acid(s) of the IL17RD protein (p.Ala735_Ala737del), but otherwise preserves the integrity of the reading frame. This variant is present in population databases (rs754470188, gnomAD 0.01%). This variant has not been reported in the literature in individuals affected with IL17RD-related conditions. Experimental studies and prediction algorithms are not available or were not evaluated, and the functional significance of this variant is currently unknown. In summary, the available evidence is currently insufficient to determine the role of this variant in disease. Therefore, it has been classified as a Variant of Uncertain Significance.

NM_017563.5(IL17RD):c.2203_2211del (p.Ala735_Ala737del)

Gene: IL17RD (interleukin 17 receptor D; minus strand). Cytogenetic location: 3p14.3.
Variant type: Deletion.
Coding change: c.2203_2211del on transcript NM_017563.5 (MANE Select); coding-DNA positions 2203 to 2211, 9 bases deleted (GCGGTCGCC; older notation c.2203_2211delGCGGTCGCC).
Protein change: p.Ala735_Ala737del.
Molecular consequence: inframe deletion. On other transcripts: inframe indel (1).
Genome position (GRCh38, 1-based): chr3:57,096,402-57,096,410, GGCGACCGC deleted on the plus strand (GCGGTCGCC on the coding strand, the reverse complement: IL17RD is on the minus strand); deleting any 9 consecutive bases within chr3:57,096,402-57,096,411 gives the same sequence; the c. name uses the placement nearest the transcript's 3' end. VCF-style (leftmost placement, unchanged base first): chr3-57096401-GGGCGACCGC-G. GRCh37 (hg19) VCF-style: chr3-57130429-GGGCGACCGC-G.
Other names: c.2202_2210delCGCGGTCGC, p.Ala735_Ala737del (NM_001080973.1); c.1771_1779del, p.Ala591_Ala593del (NM_001318864.2).
Identifiers: ClinVar variation 2985202 (VCV002985202.3), dbSNP rs754470188, ClinGen allele CA2462545.
Genomic context (GRCh38, chr3:57,096,401, plus strand): 5'-AATCAGAGGGAGGCAGCAGCTAAAGTGGCAATGCTTAGACTCTTTCGTTTTGTTACAAAG[GGGCGACCGC>G]GTGGAGTTCATCAGTGTAGCTGCGGCAACCAAGATCTGCTTTGCATGACCCAGAAGAGAG-3'